The following is an entry in ClinVar:

ClinVar aggregate classification (germline): Uncertain significance (1 of 4 stars; one submission).

Conditions:
LRRC45-related disorder. Also called: LRRC45-related condition.

Submission:

PreventionGenetics, part of Exact Sciences
Classification: Uncertain significance for LRRC45-related condition. Last evaluated: 2026-02-25. Review status: criteria provided, single submitter. Criteria: ACMG Guidelines, 2015. Collection method: clinical testing. Allele origin: germline.
Comment: The LRRC45 c.1756G>A variant is predicted to result in the amino acid substitution p.Glu586Lys. To our knowledge, this variant has not been reported in the literature. This variant is absent from ~148,000 alleles in gnomAD. At this time, the clinical significance of this variant is uncertain due to the absence of conclusive functional and genetic evidence.

NM_144999.4(LRRC45):c.1756G>A (p.Glu586Lys)

Gene: LRRC45 (leucine rich repeat containing 45; plus strand). Cytogenetic location: 17q25.3.
Variant type: single nucleotide variant.
Coding change: c.1756G>A on transcript NM_144999.4 (MANE Select); coding-DNA position 1756, G replaced by A.
Protein change: p.Glu586Lys; replaces glutamic acid 586 with lysine.
Molecular consequence: missense variant.
Genome position (GRCh38, 1-based): chr17:82,030,406, G>A. VCF-style: chr17-82030406-G-A. GRCh37 (hg19) VCF-style: chr17-79988282-G-A.
Other names: short protein forms E586K.
Identifiers: ClinVar variation 4997192 (VCV004997192.1).